The following is an entry in ClinVar:

NM_002103.5(GYS1):c.1432C>T (p.His478Tyr)

Gene: GYS1 (glycogen synthase 1; minus strand). Cytogenetic location: 19q13.33.
Variant type: single nucleotide variant.
Coding change: c.1432C>T on transcript NM_002103.5 (MANE Select); coding-DNA position 1432, C replaced by T.
Protein change: p.His478Tyr; replaces histidine 478 with tyrosine.
Molecular consequence: missense variant. On other transcripts: non-coding transcript variant (1).
Genome position (GRCh38, 1-based): chr19:48,974,330, G>A on the plus strand (C>T on the coding strand, the complement: GYS1 is on the minus strand). VCF-style: chr19-48974330-G-A. GRCh37 (hg19) VCF-style: chr19-49477587-G-A.
Other names: c.1240C>T, p.His414Tyr (NM_001161587.2); short protein forms H414Y, H478Y.
Identifiers: ClinVar variation 942790 (VCV000942790.9), dbSNP rs2038611813, ClinGen allele CA406761512.

ClinVar aggregate classification (germline): Uncertain significance. Review status: criteria provided, multiple submitters, no conflicts (2 of 4 stars). 2 submissions from 2 submitters: Uncertain significance (2). Last evaluated 2021-06-04.

Conditions:
Glycogen storage disease due to muscle and heart glycogen synthase deficiency. Also called: GSD 0b; MUSCLE GLYCOGEN SYNTHASE DEFICIENCY. Identifiers: Orphanet 137625, MedGen C1969054, MONDO:0012693, OMIM 611556.

Submissions (2):

New York Genome Center
Classification: Uncertain significance for Glycogen storage disease due to muscle and heart glycogen synthase deficiency. Last evaluated: 2021-06-04. Review status: criteria provided, single submitter. Criteria: NYGC Assertion Criteria 2020. Collection method: clinical testing. Allele origin: inherited. Observed: 1 heterozygote. Study: CSER-NYCKidSeq.

Labcorp Genetics (formerly Invitae), Labcorp
Classification: Uncertain significance for Glycogen storage disease due to muscle and heart glycogen synthase deficiency. Last evaluated: 2019-09-28. Review status: criteria provided, single submitter. Criteria: Invitae Variant Classification Sherloc (09022015). Collection method: clinical testing. Allele origin: germline.
Comment: In summary, the available evidence is currently insufficient to determine the role of this variant in disease. Therefore, it has been classified as a Variant of Uncertain Significance. Algorithms developed to predict the effect of missense changes on protein structure and function (SIFT, PolyPhen-2, Align-GVGD) all suggest that this variant is likely to be disruptive, but these predictions have not been confirmed by published functional studies and their clinical significance is uncertain. This variant has not been reported in the literature in individuals with GYS1-related conditions. This variant is not present in population databases (ExAC no frequency). This sequence change replaces histidine with tyrosine at codon 478 of the GYS1 protein (p.His478Tyr). The histidine residue is highly conserved and there is a moderate physicochemical difference between histidine and tyrosine.